The following is an entry in ClinVar:

NM_006904.7(PRKDC):c.8443G>A (p.Gly2815Arg)

Gene: PRKDC (protein kinase, DNA-activated, catalytic subunit; minus strand). Cytogenetic location: 8q11.21.
Variant type: single nucleotide variant.
Coding change: c.8443G>A on transcript NM_006904.7 (MANE Select); coding-DNA position 8443, G replaced by A.
Protein change: p.Gly2815Arg; replaces glycine 2815 with arginine.
Molecular consequence: missense variant.
Genome position (GRCh38, 1-based): chr8:47,828,302, C>T on the plus strand (G>A on the coding strand, the complement: PRKDC is on the minus strand). VCF-style: chr8-47828302-C-T. GRCh37 (hg19) VCF-style: chr8-48740863-C-T.
Other names: c.8443G>A, p.Gly2815Arg (NM_001081640.2); short protein forms G2815R.
Identifiers: ClinVar variation 2564498 (VCV002564498.2), dbSNP rs2087784112, ClinGen allele CA371144607.

ClinVar aggregate classification (germline): Uncertain significance (1 of 4 stars; one submission).

Allele frequency attached by ClinVar (database versions not stated): TOPMed below 0.00001.

Submission:

Ambry Genetics
Classification: Uncertain significance. Last evaluated: 2023-03-19. Review status: criteria provided, single submitter. Criteria: Ambry Variant Classification Scheme 2023. Collection method: clinical testing. Allele origin: germline.
Comment: The p.G2815R variant (also known as c.8443G>A), located in coding exon 62 of the PRKDC gene, results from a G to A substitution at nucleotide position 8443. The glycine at codon 2815 is replaced by arginine, an amino acid with dissimilar properties. This amino acid position is conserved. In addition, the in silico prediction for this alteration is inconclusive. Since supporting evidence is limited at this time, the clinical significance of this alteration remains unclear.